The following is an entry in ClinVar:

NM_006623.4(PHGDH):c.674G>A (p.Cys225Tyr)

Gene: PHGDH (phosphoglycerate dehydrogenase; plus strand). Cytogenetic location: 1p12.
Variant type: single nucleotide variant.
Coding change: c.674G>A on transcript NM_006623.4 (MANE Select); coding-DNA position 674, G replaced by A.
Protein change: p.Cys225Tyr; replaces cysteine 225 with tyrosine.
Molecular consequence: missense variant.
Genome position (GRCh38, 1-based): chr1:119,735,325, G>A. VCF-style: chr1-119735325-G-A. GRCh37 (hg19) VCF-style: chr1-120277948-G-A.
Other names: short protein forms C225Y.
Identifiers: ClinVar variation 1351488 (VCV001351488.8), dbSNP rs2101198107, ClinGen allele CA341850071.

ClinVar aggregate classification (germline): Uncertain significance (1 of 4 stars; one submission).

Conditions:
PHGDH deficiency. Identifiers: Orphanet 79351, MedGen C1866174, MONDO:0011152, OMIM 601815.

Submission:

Labcorp Genetics (formerly Invitae), Labcorp
Classification: Uncertain significance for PHGDH deficiency. Last evaluated: 2022-02-03. Review status: criteria provided, single submitter. Criteria: Invitae Variant Classification Sherloc (09022015). Collection method: clinical testing. Allele origin: germline.
Comment: In summary, the available evidence is currently insufficient to determine the role of this variant in disease. Therefore, it has been classified as a Variant of Uncertain Significance. Algorithms developed to predict the effect of missense changes on protein structure and function are either unavailable or do not agree on the potential impact of this missense change (SIFT: "Deleterious"; PolyPhen-2: "Probably Damaging"; Align-GVGD: "Class C0"). This variant has not been reported in the literature in individuals affected with PHGDH-related conditions. This variant is not present in population databases (gnomAD no frequency). This sequence change replaces cysteine, which is neutral and slightly polar, with tyrosine, which is neutral and polar, at codon 225 of the PHGDH protein (p.Cys225Tyr).